The following is an entry in ClinVar:

NM_001378454.1(ALMS1):c.9340_9341del (p.Leu3114fs)

Gene: ALMS1 (ALMS1 centrosome and basal body associated protein; plus strand). Cytogenetic location: 2p13.1.
Variant type: Deletion.
Coding change: c.9340_9341del on transcript NM_001378454.1 (MANE Select); coding-DNA positions 9340 to 9341, 2 bases deleted (TT; older notation c.9340_9341delTT).
Protein change: p.Leu3114fs; shifts the reading frame from leucine 3114.
Molecular consequence: frameshift variant.
Genome position (GRCh38, 1-based): chr2:73,491,299-73,491,300, TT deleted; deleting any 2 consecutive bases within chr2:73,491,298-73,491,300 gives the same sequence; the c. name uses the placement nearest the transcript's 3' end. VCF-style (leftmost placement, unchanged base first): chr2-73491297-CTT-C. GRCh37 (hg19) VCF-style: chr2-73718424-CTT-C.
Other names: c.9343_9344del, p.Leu3115fs (NM_015120.4); short protein forms L3115fs, L3114fs.
Identifiers: ClinVar variation 1365649 (VCV001365649.6), dbSNP rs2103895650, ClinGen allele CA2573135786.

ClinVar aggregate classification (germline): Pathogenic (1 of 4 stars; one submission).

Conditions:
Alstrom syndrome (ALMS). Identifiers: Orphanet 64, MedGen C0268425, MONDO:0008763, OMIM 203800.

Submission:

Labcorp Genetics (formerly Invitae), Labcorp
Classification: Pathogenic for Alstrom syndrome. Last evaluated: 2021-09-10. Review status: criteria provided, single submitter. Criteria: Invitae Variant Classification Sherloc (09022015). Collection method: clinical testing. Allele origin: germline.
Comment: For these reasons, this variant has been classified as Pathogenic. This variant has not been reported in the literature in individuals affected with ALMS1-related conditions. This variant is not present in population databases (ExAC no frequency). This sequence change creates a premature translational stop signal (p.Leu3115Argfs*6) in the ALMS1 gene. It is expected to result in an absent or disrupted protein product. Loss-of-function variants in ALMS1 are known to be pathogenic (PMID: 17594715).

Literature cited by the submitters: PubMed 17594715.